The following is an entry in ClinVar:

ClinVar aggregate classification (germline): Uncertain significance. Review status: criteria provided, multiple submitters, no conflicts (2 of 4 stars). 2 submissions from 2 submitters: Uncertain significance (2). Last evaluated 2025-08-07.

Conditions:
Inborn genetic diseases. Identifiers: MedGen C0950123, MeSH D030342.

Allele frequency attached by ClinVar (database versions not stated): ExAC 0.00001; gnomAD 0.00003; TOPMed 0.00004.
gnomAD v4.1: 35 of 1,586,754 alleles (0.0022%); highest among the groups gnomAD compares: Admixed American, 0.0071%; no homozygotes.

Submissions (2):

Ambry Genetics
Classification: Uncertain significance for Inborn genetic diseases. Last evaluated: 2025-08-07. Review status: criteria provided, single submitter. Criteria: Ambry Variant Classification Scheme 2023. Collection method: clinical testing. Allele origin: germline.

Labcorp Genetics (formerly Invitae), Labcorp
Classification: Uncertain significance. Last evaluated: 2024-01-15. Review status: criteria provided, single submitter. Criteria: Invitae Variant Classification Sherloc (09022015). Collection method: clinical testing. Allele origin: germline.
Comment: This sequence change replaces proline, which is neutral and non-polar, with leucine, which is neutral and non-polar, at codon 1572 of the DCHS1 protein (p.Pro1572Leu). This variant is present in population databases (rs776369271, gnomAD 0.003%). This variant has not been reported in the literature in individuals affected with DCHS1-related conditions. Advanced modeling of protein sequence and biophysical properties (such as structural, functional, and spatial information, amino acid conservation, physicochemical variation, residue mobility, and thermodynamic stability) performed at Invitae indicates that this missense variant is not expected to disrupt DCHS1 protein function with a negative predictive value of 80%. In summary, the available evidence is currently insufficient to determine the role of this variant in disease. Therefore, it has been classified as a Variant of Uncertain Significance.

NM_003737.4(DCHS1):c.4715C>T (p.Pro1572Leu)

Gene: DCHS1 (dachsous cadherin-related 1; minus strand). Cytogenetic location: 11p15.4.
Variant type: single nucleotide variant.
Coding change: c.4715C>T on transcript NM_003737.4 (MANE Select); coding-DNA position 4715, C replaced by T.
Protein change: p.Pro1572Leu; replaces proline 1572 with leucine.
Molecular consequence: missense variant.
Genome position (GRCh38, 1-based): chr11:6,630,079, G>A on the plus strand (C>T on the coding strand, the complement: DCHS1 is on the minus strand). VCF-style: chr11-6630079-G-A. GRCh37 (hg19) VCF-style: chr11-6651310-G-A.
Other names: c.4715C>T (NM_003737.2); short protein forms P1572L.
Identifiers: ClinVar variation 2899996 (VCV002899996.4), dbSNP rs776369271, ClinGen allele CA5860298.